The following is an entry in ClinVar:

NM_002900.3(RBP3):c.3140T>C (p.Phe1047Ser)

Gene: RBP3 (retinol binding protein 3; plus strand). Cytogenetic location: 10q11.22.
Variant type: single nucleotide variant.
Coding change: c.3140T>C on transcript NM_002900.3 (MANE Select); coding-DNA position 3140, T replaced by C.
Protein change: p.Phe1047Ser; replaces phenylalanine 1047 with serine.
Molecular consequence: missense variant.
Genome position (GRCh38, 1-based): chr10:47,353,410, T>C. VCF-style: chr10-47353410-T-C. GRCh37 (hg19) VCF-style: chr10-48385952-A-G.
Other names: short protein forms F1047S.
Identifiers: ClinVar variation 1952075 (VCV001952075.5), dbSNP rs781798688, ClinGen allele CA5487127.

ClinVar aggregate classification (germline): Uncertain significance (1 of 4 stars; one submission).

Allele frequency attached by ClinVar (database versions not stated): gnomAD exomes below 0.00001; ExAC 0.00001.
gnomAD v4.1: 1 of 1,614,144 alleles (0.000062%); highest among the groups gnomAD compares: Non-Finnish European, 0.000085%; no homozygotes.

Submission:

Labcorp Genetics (formerly Invitae), Labcorp
Classification: Uncertain significance. Last evaluated: 2022-10-17. Review status: criteria provided, single submitter. Criteria: Invitae Variant Classification Sherloc (09022015). Collection method: clinical testing. Allele origin: germline.
Comment: In summary, the available evidence is currently insufficient to determine the role of this variant in disease. Therefore, it has been classified as a Variant of Uncertain Significance. Algorithms developed to predict the effect of missense changes on protein structure and function (SIFT, PolyPhen-2, Align-GVGD) all suggest that this variant is likely to be disruptive. This variant has not been reported in the literature in individuals affected with RBP3-related conditions. This variant is present in population databases (rs781798688, gnomAD 0.0009%). This sequence change replaces phenylalanine, which is neutral and non-polar, with serine, which is neutral and polar, at codon 1047 of the RBP3 protein (p.Phe1047Ser).